The following is an entry in ClinVar:

ClinVar aggregate classification (germline): Uncertain significance (1 of 4 stars; one submission).

Submission:

GeneDx
Classification: Uncertain significance. Last evaluated: 2026-03-18. Review status: criteria provided, single submitter. Criteria: GeneDx Variant Classification Process June 2021. Collection method: clinical testing. Allele origin: germline.
Comment: Not observed at significant frequency in large population cohorts (gnomAD); In silico analysis supports that this missense variant has a deleterious effect on protein structure/function; Has not been previously published as pathogenic or benign to our knowledge

NM_001693.4(ATP6V1B2):c.729C>G (p.Phe243Leu)

Gene: ATP6V1B2 (ATPase H+ transporting V1 subunit B2; plus strand). Cytogenetic location: 8p21.3.
Variant type: single nucleotide variant.
Coding change: c.729C>G on transcript NM_001693.4 (MANE Select); coding-DNA position 729, C replaced by G.
Protein change: p.Phe243Leu; replaces phenylalanine 243 with leucine.
Molecular consequence: missense variant.
Genome position (GRCh38, 1-based): chr8:20,212,125, C>G. VCF-style: chr8-20212125-C-G. GRCh37 (hg19) VCF-style: chr8-20069636-C-G.
Other names: short protein forms F243L.
Identifiers: ClinVar variation 5009374 (VCV005009374.1).